The following is an entry in ClinVar:

NM_005876.5(SPEG):c.7949G>A (p.Arg2650Gln)

Genes: ASIC4-AS1 (ASIC4 antisense RNA 1; minus strand), SPEG (striated muscle enriched protein kinase; plus strand). Cytogenetic location: 2q35.
Variant type: single nucleotide variant.
Coding change: c.7949G>A on transcript NM_005876.5 (MANE Select); coding-DNA position 7949, G replaced by A.
Protein change: p.Arg2650Gln; replaces arginine 2650 with glutamine.
Molecular consequence: missense variant.
Genome position (GRCh38, 1-based): chr2:219,488,588, G>A. VCF-style: chr2-219488588-G-A. GRCh37 (hg19) VCF-style: chr2-220353310-G-A.
Other names: short protein forms R2650Q.
Identifiers: ClinVar variation 2175057 (VCV002175057.1), dbSNP rs767028853, ClinGen allele CA2127339.

ClinVar aggregate classification (germline): Uncertain significance (1 of 4 stars; one submission).

Allele frequency attached by ClinVar (database versions not stated): gnomAD exomes 0.00001; ExAC 0.00002.
gnomAD v4.1: 18 of 1,612,222 alleles (0.0011%); highest among the groups gnomAD compares: East Asian, 0.0089%; no homozygotes.

Submission:

Labcorp Genetics (formerly Invitae), Labcorp
Classification: Uncertain significance. Last evaluated: 2022-02-23. Review status: criteria provided, single submitter. Criteria: Invitae Variant Classification Sherloc (09022015). Collection method: clinical testing. Allele origin: germline.
Comment: This sequence change replaces arginine, which is basic and polar, with glutamine, which is neutral and polar, at codon 2650 of the SPEG protein (p.Arg2650Gln). This variant is present in population databases (rs767028853, gnomAD 0.02%). This variant has not been reported in the literature in individuals affected with SPEG-related conditions. Algorithms developed to predict the effect of missense changes on protein structure and function are either unavailable or do not agree on the potential impact of this missense change (SIFT: "Deleterious"; PolyPhen-2: "Benign"; Align-GVGD: "Class C0"). In summary, the available evidence is currently insufficient to determine the role of this variant in disease. Therefore, it has been classified as a Variant of Uncertain Significance.